The following is an entry in ClinVar:

NM_004360.5(CDH1):c.1273G>A (p.Val425Ile)

Gene: CDH1 (cadherin 1; plus strand). Cytogenetic location: 16q22.1.
Variant type: single nucleotide variant.
Coding change: c.1273G>A on transcript NM_004360.5 (MANE Select); coding-DNA position 1273, G replaced by A.
Protein change: p.Val425Ile; replaces valine 425 with isoleucine.
Molecular consequence: missense variant. On other transcripts: 5 prime UTR variant (2), intron variant (1).
Genome position (GRCh38, 1-based): chr16:68,813,448, G>A. VCF-style: chr16-68813448-G-A. GRCh37 (hg19) VCF-style: chr16-68847351-G-A.
Other names: p.V425I:GTC>ATC; NM_001317186.2:c.-547G>A; c.1273G>A (LRG_301t1); c.-343G>A (NM_001317185.2); c.-547G>A (NM_001317186.2); c.1137+1185G>A (NM_001317184.2); short protein forms V425I.
Identifiers: ClinVar variation 127909 (VCV000127909.36), dbSNP rs570930882, ClinGen allele CA288025.
Genomic context (GRCh38, chr16:68,813,448, plus strand): 5'-AATACCCCAGCGTGGGAGGCTGTATACACCATATTGAATGATGATGGTGGACAATTTGTC[G>A]TCACCACAAATCCAGTGAACAACGATGGCATTTTGAAAACAGCAAAGGTTTGTATGGTAC-3'
Protein context (NP_004351.1, residues 415-435): ILNDDGGQFV[Val425Ile]TTNPVNNDGI

ClinVar aggregate classification (germline): Likely benign. Review status: reviewed by expert panel (3 of 4 stars). 13 submissions from 13 submitters: Likely benign (1). 12 of the submissions do not count toward it. Last evaluated 2023-08-03.

Conditions:
CDH1-related disorder. Also called: CDH1-related condition.
CDH1-related diffuse gastric and lobular breast cancer syndrome. Also called: CDH1-related diffuse gastric and lobular breast cancer. Identifiers: MedGen CN311521, MONDO:0100488.
Hereditary cancer-predisposing syndrome. Also called: Neoplastic Syndromes, Hereditary; Tumor predisposition; Hereditary Cancer Syndrome; Hereditary neoplastic syndrome. Identifiers: Orphanet 140162, MedGen C0027672, MeSH D009386, MONDO:0015356.
Hereditary diffuse gastric adenocarcinoma (HDGC). Also called: DIFFUSE GASTRIC AND LOBULAR BREAST CANCER SYNDROME. Identifiers: Orphanet 26106, MedGen C1708349, MONDO:0007648, OMIM 137215.

Allele frequency attached by ClinVar (database versions not stated): gnomAD 0.00002 and 0.00004; TOPMed 0.00002; 1000 Genomes Project 30x 0.00031; 1000 Genomes Project 0.00040.

Submissions (13):

Clingen Gastric Cancer Variant Curation Expert Panel
Classification: Likely benign for CDH1-related diffuse gastric and lobular breast cancer syndrome. Last evaluated: 2023-08-03. Review status: reviewed by expert panel. Criteria: ClinGen CDH1 ACMG Specifications V3.1. Collection method: curation. Allele origin: germline. Inheritance: Autosomal dominant inheritance.
Comment: The c.1273G>A (p.Val425Ile) variant results in a conservative missense change in the Cadherin 3 domain of CDH1. This variant was observed in 6 in 152,140 alleles in the gnomAD v3.1.2 population database. This variant was observed in a proband with oral clefting (PMID:27227907). However, this variants has also been observed in more than 10 individuals without GC, DGC, gastric SRC tumours or LBC and whose families do not suggest HDGC (BS2). In summary, this variant meets criteria to be classified as Likely Benign based on the ACMG/AMP criteria applied as specified by the CDH1 Variant Curation Expert Panel: BS2. (CDH1 VCEP specifications version 3.1; 05/22/2023)

Labcorp Genetics (formerly Invitae), Labcorp
Classification: Benign for Hereditary diffuse gastric adenocarcinoma. Last evaluated: 2026-01-31. Review status: criteria provided, single submitter. Criteria: Invitae Variant Classification Sherloc (09022015). Collection method: clinical testing. Allele origin: germline. Not counted in ClinVar's aggregate classification.

Quest Diagnostics Nichols Institute San Juan Capistrano
Classification: Likely benign. Last evaluated: 2025-04-01. Review status: criteria provided, single submitter. Criteria: Quest Diagnostics criteria. Collection method: clinical testing. Allele origin: unknown. Not counted in ClinVar's aggregate classification.

PreventionGenetics, part of Exact Sciences
Classification: Likely benign for CDH1-related condition. Last evaluated: 2025-03-27. Review status: criteria provided, single submitter. Criteria: ACMG Guidelines, 2015. Collection method: clinical testing. Allele origin: germline. Not counted in ClinVar's aggregate classification.
Comment: This variant is classified as likely benign based on ACMG/AMP sequence variant interpretation guidelines (Richards et al. 2015 PMID: 25741868, with internal and published modifications).

Molecular Pathology, Peter Maccallum Cancer Centre
Classification: Likely benign for Hereditary diffuse gastric adenocarcinoma. Last evaluated: 2025-02-28. Review status: criteria provided, single submitter. Criteria: ACMG Guidelines, 2015. Collection method: clinical testing. Allele origin: germline. Inheritance: Autosomal dominant inheritance. Not counted in ClinVar's aggregate classification.

Color Diagnostics, LLC DBA Color Health
Classification: Likely benign for Hereditary cancer-predisposing syndrome. Last evaluated: 2024-09-25. Review status: criteria provided, single submitter. Criteria: ACMG Guidelines, 2015. Collection method: clinical testing. Allele origin: germline. Not counted in ClinVar's aggregate classification.

Women's Health and Genetics/Laboratory Corporation of America, LabCorp
Classification: Likely benign. Last evaluated: 2023-08-14. Review status: criteria provided, single submitter. Criteria: LabCorp Variant Classification Summary - May 2015. Collection method: clinical testing. Allele origin: germline. Not counted in ClinVar's aggregate classification.
Comment: Variant summary: CDH1 c.1273G>A (p.Val425Ile) results in a conservative amino acid change located in the Cadherin-like domain (IPR002126) of the encoded protein sequence. Five of five in-silico tools predict a benign effect of the variant on protein function. The variant allele was found at a frequency of 5.1e-05 in 273966 control chromosomes (gnomAD and Momozawa_2018). The observed variant frequency is approximately 2.45 fold of the estimated maximal expected allele frequency for a pathogenic variant in CDH1 causing Breast Cancer phenotype (2.1e-05), strongly suggesting that the variant is benign. c.1273G>A has been reported in the literature (e.g. Jori_2015, Kraemer_2019), but these reports do not provide unequivocal conclusions about association of the variant with Breast Cancer. In addition, a large Japanese case-control study found the variant to be not associated with breast cancer risk (Momozawa_2018). To our knowledge, no experimental evidence demonstrating an impact on protein function has been reported. The following publications have been ascertained in the context of this evaluation (PMID: 33309985, 26517685, 31422574, 30287823, 36243179). Eight submitters have cited clinical-significance assessments for this variant to ClinVar after 2014. Multiple submitters reported the variant with conflicting assessments ranging from uncertain significance to benign, with the most common (four) being likely benign. Based on the evidence outlined above, the variant was classified as likely benign.

GeneDx
Classification: Uncertain significance. Last evaluated: 2023-02-28. Review status: criteria provided, single submitter. Criteria: GeneDx Variant Classification Process June 2021. Collection method: clinical testing. Allele origin: germline. Affected: yes. Not counted in ClinVar's aggregate classification.
Comment: In silico analysis supports that this missense variant does not alter protein structure/function; Observed in individuals with endometrial or colorectal cancer and in an individual with oral clefting (Jori et al., 2015; Ittiwut et al., 2016; Do et al., 2022); This variant is associated with the following publications: (PMID: 24686850, 27227907, 26517685, 30287823, 32175104, 35098669, 31638429, 15235021, 22850631)

European Reference Network on Genetic Tumour Risk Syndromes (ERN-GENTURIS), i3s - Instituto de Investigação e Inovação em Saúde, University of Porto
Classification: Uncertain significance for Hereditary diffuse gastric adenocarcinoma. Last evaluated: 2022-08-01. Review status: criteria provided, single submitter. Criteria: Lee et al. (Hum Mutat. 2018). Collection method: clinical testing. Allele origin: germline. Inheritance: Autosomal dominant inheritance. Affected: no. Study: ERN GENTURIS. Not counted in ClinVar's aggregate classification.
Comment: BS2_Supporting (PMID: 30311375)

Institute for Clinical Genetics, University Hospital TU Dresden, University Hospital TU Dresden
Classification: Uncertain significance. Last evaluated: 2021-11-03. Review status: criteria provided, single submitter. Criteria: ACMG Guidelines, 2015. Collection method: clinical testing. Allele origin: germline. Not counted in ClinVar's aggregate classification.

Ambry Genetics
Classification: Likely benign for Hereditary cancer-predisposing syndrome. Last evaluated: 2020-11-20. Review status: criteria provided, single submitter. Criteria: Ambry Variant Classification Scheme 2023. Collection method: clinical testing. Allele origin: germline. Not counted in ClinVar's aggregate classification.

Mendelics
Classification: Likely benign for Hereditary diffuse gastric adenocarcinoma. Last evaluated: 2019-05-28. Review status: criteria provided, single submitter. Criteria: Mendelics Assertion Criteria 2017. Collection method: clinical testing. Allele origin: unknown. Not counted in ClinVar's aggregate classification.

Department of Pathology and Laboratory Medicine, Sinai Health System
Classification: Uncertain significance. Review status: no assertion criteria provided. Collection method: clinical testing. Allele origin: unknown. Affected: yes. Observed: 1 variant allele. Study: The Canadian Open Genetics Repository (COGR). Not counted in ClinVar's aggregate classification.
Comment: The CDH1 p.Val425Ile variant was not identified in the literature nor was it identified in the MutDB, Insight Colon Cancer Gene Variant Database, Zhejiang Colon Cancer Database, databases. The variant was identified in dbSNP (ID: rs570930882) as With Uncertain significance allele, ClinVar (classified as uncertain significance by GeneDx, Ambry Genetics, Invitae), Cosmic (classified as neutral (score 0.31)), databases. The variant was identified in control databases in 9 of 277228 chromosomes at a frequency of 0.000032 increasing the likelihood that this may be a low frequency benign variant in certain populations of origin (Genome Aggregation Consortium Feb 27, 2017). The p.Val425 residue is conserved in mammals but not in more distantly related organisms however computational analyses (PolyPhen-2, SIFT, AlignGVGD, BLOSUM, MutationTaster) do not suggest a high likelihood of impact to the protein; this information is not predictive enough to rule out pathogenicity. The variant occurs outside of the splicing consensus sequence and in silico or computational prediction software programs (SpliceSiteFinder, MaxEntScan, NNSPLICE, GeneSplicer, HumanSpliceFinder) do not predict a difference in splicing. The variant is located with the Cadherin-like functional domain, the clinical significance of which cannot be determined. In summary, based on the above information, the clinical significance of this variant cannot be determined with certainty at this time. This variant is classified as a variant of uncertain significance.

Literature cited by the submitters: PubMed 26517685 (cited by 3 submitters); PubMed 30287823 (cited by 3 submitters); PubMed 27227907 (cited by Quest Diagnostics Nichols Institute San Juan Capistrano and Ambry Genetics); PubMed 31422574 (cited by Quest Diagnostics Nichols Institute San Juan Capistrano and Women's Health and Genetics/Laboratory Corporation of America, LabCorp); PubMed 32885271 (cited by Quest Diagnostics Nichols Institute San Juan Capistrano); PubMed 35534704 (cited by Quest Diagnostics Nichols Institute San Juan Capistrano); PubMed 36243179 (cited by Quest Diagnostics Nichols Institute San Juan Capistrano and Women's Health and Genetics/Laboratory Corporation of America, LabCorp); PubMed 33471991 (cited by Quest Diagnostics Nichols Institute San Juan Capistrano); PubMed 36436516 (cited by Quest Diagnostics Nichols Institute San Juan Capistrano and European Reference Network on Genetic Tumour Risk Syndromes (ERN-GENTURIS), i3s - Instituto de Investigação e Inovação em Saúde, University of Porto); PubMed 33309985 (cited by Quest Diagnostics Nichols Institute San Juan Capistrano and Women's Health and Genetics/Laboratory Corporation of America, LabCorp).